The following is an entry in ClinVar:

ClinVar aggregate classification (germline): Likely pathogenic (0 of 4 stars; one submission).

Conditions:
COL2A1-related disorder. Also called: COL2A1-related condition; COL2A1-related disorders.

Submission:

PreventionGenetics, part of Exact Sciences
Classification: Likely pathogenic for COL2A1-related condition. Last evaluated: 2023-12-07. Review status: no assertion criteria provided. Collection method: clinical testing. Allele origin: germline.
Comment: The COL2A1 c.870+2T>C variant is predicted to disrupt the GT donor site and interfere with normal splicing. To our knowledge, this variant has not been reported in the literature or in a large population database, indicating this variant is rare. Variants that disrupt the consensus splice donor site in COL2A1 are expected to be pathogenic. This variant is interpreted as likely pathogenic.

NM_001844.5(COL2A1):c.870+2T>C

Gene: COL2A1 (collagen type II alpha 1 chain; minus strand). Cytogenetic location: 12q13.11.
Variant type: single nucleotide variant.
Coding change: c.870+2T>C on transcript NM_001844.5 (MANE Select); the canonical splice donor site of the intron after coding-DNA position 870, T replaced by C.
Molecular consequence: splice donor variant.
Genome position (GRCh38, 1-based): chr12:47,993,992, A>G on the plus strand (T>C on the coding strand, the complement: COL2A1 is on the minus strand). VCF-style: chr12-47993992-A-G. GRCh37 (hg19) VCF-style: chr12-48387775-A-G.
Other names: c.663+2T>C (NM_033150.3).
Identifiers: ClinVar variation 3032258 (VCV003032258.2), dbSNP rs2540169027, ClinGen allele CA384522268.
Genomic context (GRCh38, chr12:47,993,992, plus strand): 5'-AAAGTGCTTTTCTCTCCCACCAGGCATCTCTTCCTTCCAACCTTCTCACCCGTGATACTT[A>G]CTCTGTGACCTTTGACACCAGGAAGGCCTGGGGTTCCTGGGAAACCACGAGCACCCTGCA-3'